The following is an entry in ClinVar:

ClinVar aggregate classification (germline): Conflicting classifications of pathogenicity. Review status: criteria provided, conflicting classifications (1 of 4 stars). 3 submissions from 3 submitters: Uncertain significance (2); Likely benign (1). Last evaluated 2025-03-05.

Conditions:
Cardiovascular phenotype. Identifiers: MedGen CN230736.
MYPN-related myopathy (CMYO24). Also called: Nemaline myopathy 11, autosomal recessive. Identifiers: MedGen C4479186, MONDO:0015023, OMIM 617336.
Dilated cardiomyopathy 1KK (CMD1KK). Identifiers: Orphanet 154, Orphanet 75249, MedGen C3714995, MONDO:0014100, OMIM 615248.

Allele frequency attached by ClinVar (database versions not stated): gnomAD exomes below 0.00001.
gnomAD v4.1: 16 of 1,613,966 alleles (0.00099%); highest among the groups gnomAD compares: South Asian, 0.018%; no homozygotes.

Submissions (3):

Ambry Genetics
Classification: Likely benign for Cardiovascular phenotype. Last evaluated: 2025-03-05. Review status: criteria provided, single submitter. Criteria: Ambry Variant Classification Scheme 2023. Collection method: clinical testing. Allele origin: germline.

Fulgent Genetics
Classification: Uncertain significance for Dilated cardiomyopathy 1KK; MYPN-related myopathy. Last evaluated: 2022-02-11. Review status: criteria provided, single submitter. Criteria: ACMG Guidelines, 2015. Collection method: clinical testing. Allele origin: unknown.

Labcorp Genetics (formerly Invitae), Labcorp
Classification: Uncertain significance for Dilated cardiomyopathy 1KK. Last evaluated: 2021-07-31. Review status: criteria provided, single submitter. Criteria: Invitae Variant Classification Sherloc (09022015). Collection method: clinical testing. Allele origin: germline.
Comment: In summary, the available evidence is currently insufficient to determine the role of this variant in disease. Therefore, it has been classified as a Variant of Uncertain Significance. Algorithms developed to predict the effect of missense changes on protein structure and function output the following: SIFT: "Tolerated"; PolyPhen-2: "Benign"; Align-GVGD: "Class C0". The threonine amino acid residue is found in multiple mammalian species, suggesting that this missense change does not adversely affect protein function. These predictions have not been confirmed by published functional studies and their clinical significance is uncertain. This variant has not been reported in the literature in individuals with MYPN-related disease. This variant is not present in population databases (ExAC no frequency). This sequence change replaces proline with threonine at codon 1101 of the MYPN protein (p.Pro1101Thr). The proline residue is weakly conserved and there is a small physicochemical difference between proline and threonine.

NM_032578.4(MYPN):c.3301C>A (p.Pro1101Thr)

Gene: MYPN (myopalladin; plus strand). Cytogenetic location: 10q21.3.
Variant type: single nucleotide variant.
Coding change: c.3301C>A on transcript NM_032578.4 (MANE Select); coding-DNA position 3301, C replaced by A.
Protein change: p.Pro1101Thr; replaces proline 1101 with threonine.
Molecular consequence: missense variant. On other transcripts: non-coding transcript variant (2).
Genome position (GRCh38, 1-based): chr10:68,199,383, C>A. VCF-style: chr10-68199383-C-A. GRCh37 (hg19) VCF-style: chr10-69959140-C-A.
Other names: c.3301C>A, p.Pro1101Thr (NM_001256267.2); c.2419C>A, p.Pro807Thr (NM_001256268.2); c.3301C>A (NM_032578.2); short protein forms P1101T, P807T.
Identifiers: ClinVar variation 544043 (VCV000544043.9), dbSNP rs1284303981, ClinGen allele CA376858903.